The following is an entry in ClinVar:

ClinVar aggregate classification (germline): Uncertain significance (1 of 4 stars; one submission).

Conditions:
Familial adenomatous polyposis 1 (FAP1). Also called: POLYPOSIS, ADENOMATOUS INTESTINAL; FAMILIAL ADENOMATOUS POLYPOSIS 1, ATTENUATED. Identifiers: MedGen C2713442, MONDO:0021056, OMIM 175100. Disease mechanism: loss of function.

Submission:

Labcorp Genetics (formerly Invitae), Labcorp
Classification: Uncertain significance for Familial adenomatous polyposis 1. Last evaluated: 2025-11-05. Review status: criteria provided, single submitter. Criteria: Invitae Variant Classification Sherloc (09022015). Collection method: clinical testing. Allele origin: germline.
Comment: This variant occurs in a non-coding region of the APC gene. It does not change the encoded amino acid sequence of the APC protein. This variant is not present in population databases (gnomAD no frequency). This variant has not been reported in the literature in individuals affected with APC-related conditions. Experimental studies and prediction algorithms are not available or were not evaluated, and the functional significance of this variant is currently unknown. In summary, the available evidence is currently insufficient to determine the role of this variant in disease. Therefore, it has been classified as a Variant of Uncertain Significance.

NC_000005.10:g.112707362T>C

Gene: APC (APC regulator of Wnt signaling pathway; plus strand). Cytogenetic location: 5q22.2.
Variant type: single nucleotide variant.
Genome position: GRCh38 VCF-style: chr5-112707362-T-C. GRCh37 (hg19) VCF-style: chr5-112043059-T-C.
Identifiers: ClinVar variation 1019845 (VCV001019845.8), dbSNP rs113077479, ClinGen allele CA124924548.
Genomic context (GRCh38, chr5:112,707,362, plus strand): 5'-ATTAACTGGGCTGCAGCACAATTCAGAGAAGGCCAGTAAGTGCTGCAACTGAGACTCGGC[T>C]GCCTAGGCAGCAATGGCTCACGGGACAGAACAGCGAAGCAGTGCCCGGCAAGCGGAGCGC-3'